The following is an entry in ClinVar:

NM_000083.3(CLCN1):c.804G>A (p.Thr268=)

Gene: CLCN1 (chloride voltage-gated channel 1; plus strand). Cytogenetic location: 7q34.
Variant type: single nucleotide variant.
Coding change: c.804G>A on transcript NM_000083.3 (MANE Select); coding-DNA position 804, G replaced by A.
Protein change: p.Thr268=; no amino-acid change (threonine 268 retained).
Molecular consequence: synonymous variant. On other transcripts: non-coding transcript variant (1).
Genome position (GRCh38, 1-based): chr7:143,324,443, G>A. VCF-style: chr7-143324443-G-A. GRCh37 (hg19) VCF-style: chr7-143021536-G-A.
Identifiers: ClinVar variation 359106 (VCV000359106.46), dbSNP rs141521078, ClinGen allele CA4537126.

ClinVar aggregate classification (germline): Benign/Likely benign. Review status: criteria provided, multiple submitters, no conflicts (2 of 4 stars). 6 submissions from 6 submitters: Benign (2); Likely benign (4). Last evaluated 2026-01-31.

Conditions:
Batten-Turner congenital myopathy. Also called: Congenital myotonia; Myotonia congenita. Identifiers: Orphanet 206973, MedGen C0027127, MONDO:0100468, OMIM 255300.
Congenital myotonia, autosomal dominant form (THD). Also called: Myotonia congenita autosomal dominant; THOMSEN DISEASE. Identifiers: Orphanet 614, MedGen C2936781, MONDO:0008055, OMIM 160800.
Congenital myotonia, autosomal recessive form. Also called: myotonia congenita, autosomal recessive; BECKER DISEASE; Becker Generalized Myotonia. Identifiers: Orphanet 614, MedGen C0751360, MONDO:0009715, OMIM 255700.

Allele frequency attached by ClinVar (database versions not stated): gnomAD 0.00021 and 0.00029; ESP Exome Variant Server 0.00031; TOPMed 0.00032; gnomAD exomes 0.00053 and 0.00063; 1000 Genomes Project 0.00060; 1000 Genomes Project 30x 0.00062; ExAC 0.00066.
gnomAD v4.1: 821 of 1,613,884 alleles (0.051%); highest among the groups gnomAD compares: South Asian, 0.38%; 1 homozygote.

Submissions (6):

Labcorp Genetics (formerly Invitae), Labcorp
Classification: Benign for Congenital myotonia, autosomal recessive form; Congenital myotonia, autosomal dominant form. Last evaluated: 2026-01-31. Review status: criteria provided, single submitter. Criteria: Invitae Variant Classification Sherloc (09022015). Collection method: clinical testing. Allele origin: germline.

Women's Health and Genetics/Laboratory Corporation of America, LabCorp
Classification: Likely benign. Last evaluated: 2024-06-21. Review status: criteria provided, single submitter. Criteria: LabCorp Variant Classification Summary - May 2015. Collection method: clinical testing. Allele origin: germline.

CeGaT Center for Human Genetics Tuebingen
Classification: Likely benign. Last evaluated: 2022-05-01. Review status: criteria provided, single submitter. Criteria: CeGaT Center For Human Genetics Tuebingen Variant Classification Criteria Version 2. Collection method: clinical testing. Allele origin: germline. Affected: yes. Observed: 1 variant allele.
Comment: CLCN1: BP4, BP7

GeneDx
Classification: Likely benign. Last evaluated: 2019-04-05. Review status: criteria provided, single submitter. Criteria: GeneDx Variant Classification Process June 2021. Collection method: clinical testing. Allele origin: germline. Affected: yes.
Comment: This variant is associated with the following publications: (PMID: 26467025)

Illumina Laboratory Services, Illumina
Classification: Benign for Myotonia congenita. Last evaluated: 2018-01-13. Review status: criteria provided, single submitter. Criteria: ICSL Variant Classification Criteria 13 December 2019. Collection method: clinical testing. Allele origin: germline.
Comment: This variant was observed in the ICSL laboratory as part of a predisposition screen in an ostensibly healthy population. It had not been previously curated by ICSL or reported in the Human Gene Mutation Database (HGMD: prior to June 1st, 2018), and was therefore a candidate for classification through an automated scoring system. Utilizing variant allele frequency, disease prevalence and penetrance estimates, and inheritance mode, an automated score was calculated to assess if this variant is too frequent to cause the disease. Based on the score and internal cut-off values, a variant classified as benign is not then subjected to further curation. The score for this variant resulted in a classification of benign for this disease.

Department Of Human Genetics, Institute Of Clinical And Translational Research, Biomedical Research Center, Slovak Academy Of Sciences
Classification: Likely benign for Congenital myotonia, autosomal recessive form; Congenital myotonia, autosomal dominant form. Review status: criteria provided, single submitter. Criteria: ACMG Guidelines, 2015. Collection method: research. Allele origin: germline. Inheritance: Autosomal recessive inheritance. Affected: yes. Observed: 2 variant alleles.
Comment: The c.804G>A (p.(Thr268=)) variant was found in a heterozygous state in 2 Slovak patients with Myotonia congenita, both of whom carried another 2 likely Pathogenic variants. GnomAD ExomesVersion: 4.0 indicates the frequency of f = 0.000532.